The following is an entry in ClinVar:

ClinVar aggregate classification (germline): Benign (0 of 4 stars; one submission).

Conditions:
RAC3-related disorder. Also called: RAC3-related condition.

Allele frequency attached by ClinVar (database versions not stated): ESP Exome Variant Server 0.03437; TOPMed 0.04019; gnomAD 0.04099; gnomAD exomes 0.04312; 1000 Genomes Project 30x 0.05465; 1000 Genomes Project 0.05651; ExAC 0.05914.

Submission:

PreventionGenetics, part of Exact Sciences
Classification: Benign for RAC3-related condition. Last evaluated: 2024-03-28. Review status: no assertion criteria provided. Collection method: clinical testing. Allele origin: germline.
Comment: This variant is classified as benign based on ACMG/AMP sequence variant interpretation guidelines (Richards et al. 2015 PMID: 25741868, with internal and published modifications).

NM_005052.3(RAC3):c.477C>T (p.Ala159=)

Gene: RAC3 (Rac family small GTPase 3; plus strand). Cytogenetic location: 17q25.3.
Variant type: single nucleotide variant.
Coding change: c.477C>T on transcript NM_005052.3 (MANE Select); coding-DNA position 477, C replaced by T.
Protein change: p.Ala159=; no amino-acid change (alanine 159 retained).
Molecular consequence: synonymous variant. On other transcripts: missense variant (1).
Genome position (GRCh38, 1-based): chr17:82,033,727, C>T. VCF-style: chr17-82033727-C-T. GRCh37 (hg19) VCF-style: chr17-79991603-C-T.
Other names: c.481C>T, p.Pro161Ser (NM_001316307.2); short protein forms P161S.
Identifiers: ClinVar variation 3056579 (VCV003056579.2), dbSNP rs4969478, ClinGen allele CA8848460.